The following is an entry in ClinVar:

NM_001199397.3(NEK1):c.1430+1G>T

Gene: NEK1 (NIMA related kinase 1; minus strand). Cytogenetic location: 4q33.
Variant type: single nucleotide variant.
Coding change: c.1430+1G>T on transcript NM_001199397.3 (MANE Select); the canonical splice donor site of the intron after coding-DNA position 1430, G replaced by T.
Molecular consequence: splice donor variant.
Genome position (GRCh38, 1-based): chr4:169,555,931, C>A on the plus strand (G>T on the coding strand, the complement: NEK1 is on the minus strand). VCF-style: chr4-169555931-C-A. GRCh37 (hg19) VCF-style: chr4-170477082-C-A.
Other names: c.809+1G>T (NM_001440625.1, NM_001440624.1); c.1304+1G>T (NM_001374421.1); c.1379+1G>T (NM_001374420.1); c.1355+1G>T (NM_001199399.3); c.1430+1G>T (NM_001440623.1, NM_001440622.1, NM_001199398.3 and 6 more transcripts).
Identifiers: ClinVar variation 4776724 (VCV004776724.1).

ClinVar aggregate classification (germline): Likely pathogenic (1 of 4 stars; one submission).

Conditions:
Short-rib thoracic dysplasia 6 with or without polydactyly (SRTD6). Also called: Majewski Syndrome; SHORT-RIB THORACIC DYSPLASIA 6 WITH POLYDACTYLY; SHORT-RIB THORACIC DYSPLASIA 6 WITHOUT POLYDACTYLY; SHORT RIB-POLYDACTYLY SYNDROME, TYPE IIA; POLYDACTYLY WITH NEONATAL CHONDRODYSTROPHY, TYPE II. Identifiers: MedGen C0024507, MONDO:0009894, OMIM 263520.

gnomAD v4.1: 4 of 1,613,490 alleles (0.00025%); highest among the groups gnomAD compares: Non-Finnish European, 0.00034%; no homozygotes.

Submission:

Labcorp Genetics (formerly Invitae), Labcorp
Classification: Likely pathogenic for Short-rib thoracic dysplasia 6 with or without polydactyly. Last evaluated: 2025-06-14. Review status: criteria provided, single submitter. Criteria: Invitae Variant Classification Sherloc (09022015). Collection method: clinical testing. Allele origin: germline.
Comment: This sequence change affects a donor splice site in intron 16 of the NEK1 gene. It is expected to disrupt RNA splicing. Variants that disrupt the donor or acceptor splice site typically lead to a loss of protein function (PMID: 16199547), and loss-of-function variants in NEK1 are known to be pathogenic (PMID: 22499340, 29068549). This variant is not present in population databases (gnomAD no frequency). This variant has not been reported in the literature in individuals affected with NEK1-related conditions. Algorithms developed to predict the effect of sequence changes on RNA splicing suggest that this variant may disrupt the consensus splice site. In summary, the currently available evidence indicates that the variant is pathogenic, but additional data are needed to prove that conclusively. Therefore, this variant has been classified as Likely Pathogenic.

Literature cited by the submitters: PubMed 16199547; PubMed 22499340; PubMed 29068549.